The following is an entry in ClinVar:

NM_000051.4(ATM):c.8650G>A (p.Glu2884Lys)

Genes: C11orf65 (chromosome 11 open reading frame 65; minus strand), ATM (ATM serine/threonine kinase; plus strand). Cytogenetic location: 11q22.3.
Variant type: single nucleotide variant.
Coding change: c.8650G>A on transcript NM_000051.4 (MANE Select); coding-DNA position 8650, G replaced by A.
Protein change: p.Glu2884Lys; replaces glutamic acid 2884 with lysine.
Molecular consequence: missense variant. On other transcripts: intron variant (2).
Genome position (GRCh38, 1-based): chr11:108,347,344, G>A. VCF-style: chr11-108347344-G-A. GRCh37 (hg19) VCF-style: chr11-108218071-G-A.
Other names: c.8650G>A, p.Glu2884Lys (NM_001351834.2); c.641-38273C>T (NM_001330368.2); c.695-12052C>T (NM_001351110.2); short protein forms E2884K.
Identifiers: ClinVar variation 1764190 (VCV001764190.2), dbSNP rs2137084047, ClinGen allele CA382521070.

ClinVar aggregate classification (germline): Uncertain significance (1 of 4 stars; one submission).

Conditions:
Hereditary cancer-predisposing syndrome. Also called: Hereditary neoplastic syndrome; Neoplastic Syndromes, Hereditary; Tumor predisposition; Hereditary Cancer Syndrome. Identifiers: Orphanet 140162, MedGen C0027672, MeSH D009386, MONDO:0015356.

Submission:

Ambry Genetics
Classification: Uncertain significance for Hereditary cancer-predisposing syndrome. Last evaluated: 2022-10-02. Review status: criteria provided, single submitter. Criteria: Ambry Variant Classification Scheme 2023. Collection method: clinical testing. Allele origin: germline.
Comment: The p.E2884K variant (also known as c.8650G>A), located in coding exon 58 of the ATM gene, results from a G to A substitution at nucleotide position 8650. The glutamic acid at codon 2884 is replaced by lysine, an amino acid with similar properties. This amino acid position is conserved. In addition, the in silico prediction for this alteration is inconclusive. Since supporting evidence is limited at this time, the clinical significance of this alteration remains unclear.